The following is an entry in ClinVar:

NM_001378964.1(CDON):c.*589C>T

Gene: CDON (cell adhesion associated, oncogene regulated; minus strand). Cytogenetic location: 11q24.2.
Variant type: single nucleotide variant.
Coding change: c.*589C>T on transcript NM_001378964.1 (MANE Select); 589 bases downstream of the stop codon, C replaced by T.
Molecular consequence: 3 prime UTR variant.
Genome position (GRCh38, 1-based): chr11:125,960,353, G>A on the plus strand (C>T on the coding strand, the complement: CDON is on the minus strand). VCF-style: chr11-125960353-G-A. GRCh37 (hg19) VCF-style: chr11-125830248-G-A.
Other names: c.*589C>T (NM_001243597.3, NM_016952.6).
Identifiers: ClinVar variation 303483 (VCV000303483.5), dbSNP rs565527208, ClinGen allele CA10637811.

ClinVar aggregate classification (germline): Benign (1 of 4 stars; one submission).

Conditions:
Holoprosencephaly 11 (HPE11). Identifiers: Orphanet 2162, MedGen C3280215, MONDO:0013642, OMIM 614226.

Allele frequency attached by ClinVar (database versions not stated): 1000 Genomes Project 30x 0.00031; TOPMed 0.00009; 1000 Genomes Project 0.00060; gnomAD 0.00004 and 0.00016.

Submission:

Illumina Laboratory Services, Illumina
Classification: Benign for Holoprosencephaly 11. Last evaluated: 2018-01-13. Review status: criteria provided, single submitter. Criteria: ICSL Variant Classification Criteria 13 December 2019. Collection method: clinical testing. Allele origin: germline.
Comment: This variant was observed in the ICSL laboratory as part of a predisposition screen in an ostensibly healthy population. It had not been previously curated by ICSL or reported in the Human Gene Mutation Database (HGMD: prior to June 1st, 2018), and was therefore a candidate for classification through an automated scoring system. Utilizing variant allele frequency, disease prevalence and penetrance estimates, and inheritance mode, an automated score was calculated to assess if this variant is too frequent to cause the disease. Based on the score and internal cut-off values, a variant classified as benign is not then subjected to further curation. The score for this variant resulted in a classification of benign for this disease.